The following is an entry in ClinVar:

ClinVar aggregate classification (germline): Uncertain significance. Review status: criteria provided, multiple submitters, no conflicts (2 of 4 stars). 2 submissions from 2 submitters: Uncertain significance (2). Last evaluated 2025-05-30.

Conditions:
Pheochromocytoma. Also called: MAX-Related Hereditary Paraganglioma-Pheochromocytoma Syndrome. Identifiers: Orphanet 29072, MedGen C0031511, MONDO:0008233, OMIM 171300, HP:0002666.
Carney-Stratakis syndrome. Also called: PARAGANGLIOMA AND GASTROINTESTINAL STROMAL TUMOR. Identifiers: Orphanet 97286, MedGen C1847319, MONDO:0011740, OMIM 606864.
Cowden syndrome 3 (CWS3). Identifiers: Orphanet 201, MedGen CN166604, MONDO:0014045.
Paragangliomas with sensorineural hearing loss. Identifiers: MedGen C1868633.
Hereditary cancer-predisposing syndrome. Also called: Hereditary Cancer Syndrome; Hereditary neoplastic syndrome; Neoplastic Syndromes, Hereditary; Tumor predisposition. Identifiers: Orphanet 140162, MedGen C0027672, MeSH D009386, MONDO:0015356.

Allele frequency attached by ClinVar (database versions not stated): TOPMed below 0.00001.

Submissions (2):

Ambry Genetics
Classification: Uncertain significance for Hereditary cancer-predisposing syndrome. Last evaluated: 2025-05-30. Review status: criteria provided, single submitter. Criteria: Ambry Variant Classification Scheme 2023. Collection method: clinical testing. Allele origin: germline.
Comment: The p.A154V variant (also known as c.461C>T), located in coding exon 4 of the SDHD gene, results from a C to T substitution at nucleotide position 461. The alanine at codon 154 is replaced by valine, an amino acid with similar properties. This amino acid position is highly conserved in available vertebrate species. In addition, this alteration is predicted to be deleterious by in silico analysis. Based on the available evidence, the clinical significance of this variant remains unclear.

Labcorp Genetics (formerly Invitae), Labcorp
Classification: Uncertain significance for Carney-Stratakis syndrome; Paragangliomas with sensorineural hearing loss; Pheochromocytoma; Cowden syndrome 3. Last evaluated: 2022-09-15. Review status: criteria provided, single submitter. Criteria: Invitae Variant Classification Sherloc (09022015). Collection method: clinical testing. Allele origin: germline.
Comment: This sequence change replaces alanine, which is neutral and non-polar, with valine, which is neutral and non-polar, at codon 154 of the SDHD protein (p.Ala154Val). This variant is present in population databases (no rsID available, gnomAD 0.007%). This variant has not been reported in the literature in individuals affected with SDHD-related conditions. Algorithms developed to predict the effect of missense changes on protein structure and function (SIFT, PolyPhen-2, Align-GVGD) all suggest that this variant is likely to be tolerated. In summary, the available evidence is currently insufficient to determine the role of this variant in disease. Therefore, it has been classified as a Variant of Uncertain Significance.

NM_003002.4(SDHD):c.461C>T (p.Ala154Val)

Gene: SDHD (succinate dehydrogenase complex subunit D; plus strand). Cytogenetic location: 11q23.1.
Variant type: single nucleotide variant.
Coding change: c.461C>T on transcript NM_003002.4 (MANE Select); coding-DNA position 461, C replaced by T.
Protein change: p.Ala154Val; replaces alanine 154 with valine.
Molecular consequence: missense variant. On other transcripts: 3 prime UTR variant (2), non-coding transcript variant (1).
Genome position (GRCh38, 1-based): chr11:112,094,951, C>T. VCF-style: chr11-112094951-C-T. GRCh37 (hg19) VCF-style: chr11-111965675-C-T.
Other names: c.*58C>T (NM_001276503.2); c.344C>T, p.Ala115Val (NM_001276504.2); c.*159C>T (NM_001276506.2); short protein forms A154V, A115V.
Identifiers: ClinVar variation 1741946 (VCV001741946.8), dbSNP rs1378954192, ClinGen allele CA382619547.
Genomic context (GRCh38, chr11:112,094,951, plus strand): 5'-TAACCTTTGCTGGGCTTTGCTATTTCAACTATCACGATGTGGGCATCTGCAAAGCTGTTG[C>T]CATGCTGTGGAAGCTCTGACCTTTTTGACTTCATACTTTGAAGAATTGATGTATGCCTCT-3'
Protein context (NP_002993.1, residues 144-159): YHDVGICKAV[Ala154Val]MLWKL